The following is an entry in ClinVar:

NM_000278.5(PAX2):c.213-8C>T

Gene: PAX2 (paired box 2; plus strand). Cytogenetic location: 10q24.31.
Variant type: single nucleotide variant.
Coding change: c.213-8C>T on transcript NM_000278.5 (MANE Select); 8 bases into the intron before coding-DNA position 213, C replaced by T.
Molecular consequence: intron variant.
Genome position (GRCh38, 1-based): chr10:100,750,686, C>T. VCF-style: chr10-100750686-C-T. GRCh37 (hg19) VCF-style: chr10-102510443-C-T.
Other names: c.306-8C>T (NM_001304569.2); c.213-8C>T (NM_003987.5, NM_003990.5, NM_003988.5 and 1 more transcripts).
Identifiers: ClinVar variation 707348 (VCV000707348.15), dbSNP rs369615430, ClinGen allele CA5650682.

ClinVar aggregate classification (germline): Benign/Likely benign. Review status: criteria provided, multiple submitters, no conflicts (2 of 4 stars). 4 submissions from 4 submitters: Benign (1); Likely benign (2). 1 of the submissions does not count toward it. Last evaluated 2025-12-24.

Conditions:
Renal coloboma syndrome (PAPRS). Also called: COLOBOMA OF OPTIC NERVE WITH RENAL DISEASE; CONGENITAL ANOMALIES OF THE KIDNEY AND URINARY TRACT WITH OR WITHOUT OCULAR ABNORMALITIES; CAKUT WITH OR WITHOUT OCULAR ABNORMALITIES; PAPILLORENAL SYNDROME; OPTIC COLOBOMA, VESICOURETERAL REFLUX, AND RENAL ANOMALIES; OPTIC NERVE COLOBOMA WITH RENAL DISEASE. Identifiers: Orphanet 1475, MedGen C1852759, MONDO:0007352, OMIM 120330.
Focal segmental glomerulosclerosis 7 (FSGS7). Identifiers: Orphanet 656, MedGen C4014925, MONDO:0014451, OMIM 616002.
PAX2-Related Disorder. Also called: PAX2-related disorders. Identifiers: MedGen CN381309.

Allele frequency attached by ClinVar (database versions not stated): 1000 Genomes Project 30x 0.00016; 1000 Genomes Project 0.00020; ESP Exome Variant Server 0.00085; gnomAD 0.00092 and 0.00101; TOPMed 0.00121.
gnomAD v4.1: 308 of 1,613,638 alleles (0.019%); highest among the groups gnomAD compares: African/African-American, 0.31%; 1 homozygote.

Submissions (4):

Labcorp Genetics (formerly Invitae), Labcorp
Classification: Benign for Renal coloboma syndrome; Focal segmental glomerulosclerosis 7. Last evaluated: 2025-12-24. Review status: criteria provided, single submitter. Criteria: Invitae Variant Classification Sherloc (09022015). Collection method: clinical testing. Allele origin: germline.

Blueprint Genetics
Classification: Likely benign. Last evaluated: 2024-11-25. Review status: criteria provided, single submitter. Criteria: ACMG Guidelines, 2015. Collection method: clinical testing. Allele origin: germline.

Fulgent Genetics
Classification: Likely benign for Renal coloboma syndrome; Focal segmental glomerulosclerosis 7. Last evaluated: 2021-10-11. Review status: criteria provided, single submitter. Criteria: ACMG Guidelines, 2015. Collection method: clinical testing. Allele origin: unknown.

PreventionGenetics, part of Exact Sciences
Classification: Likely benign for PAX2-related condition. Last evaluated: 2020-03-27. Review status: no assertion criteria provided. Collection method: clinical testing. Allele origin: germline. Not counted in ClinVar's aggregate classification.
Comment: This variant is classified as likely benign based on ACMG/AMP sequence variant interpretation guidelines (Richards et al. 2015 PMID: 25741868, with internal and published modifications).